The following is an entry in ClinVar:

NM_001009944.3(PKD1):c.916del (p.Asp306fs)

Gene: PKD1 (polycystin 1, transient receptor potential channel interacting; minus strand). Cytogenetic location: 16p13.3.
Variant type: Deletion.
Coding change: c.916del on transcript NM_001009944.3 (MANE Select); coding-DNA position 916, one base deleted (G; older notation c.916delG).
Protein change: p.Asp306fs; shifts the reading frame from aspartic acid 306.
Molecular consequence: frameshift variant.
Genome position (GRCh38, 1-based): chr16:2,118,076, C deleted on the plus strand (G on the coding strand, the reverse complement: PKD1 is on the minus strand); the first of 3 consecutive C bases (chr16:2,118,076-2,118,078); deleting any one gives the same sequence. VCF-style (leftmost placement, unchanged base first): chr16-2118075-TC-T. GRCh37 (hg19) VCF-style: chr16-2168076-TC-T.
Other names: c.916delG (NM_001009944.3); c.916del, p.Asp306fs (NM_000296.4); short protein forms D306fs.
Identifiers: ClinVar variation 4853051 (VCV004853051.1).

ClinVar aggregate classification (germline): Pathogenic (1 of 4 stars; one submission).

Conditions:
Polycystic kidney disease, adult type (PKD1). Also called: Polycystic Kidney, Autosomal Dominant; POLYCYSTIC KIDNEY DISEASE, ADULT, TYPE I; Polycystic Kidney Disease 1, Autosomal Dominant; Polycystic kidney disease 1; Polycystic kidney disease 1, severe; POLYCYSTIC KIDNEY DISEASE 1 WITH OR WITHOUT POLYCYSTIC LIVER DISEASE. Identifiers: MedGen C3149841, MONDO:0008263, OMIM 173900.

Submission:

Women's Health and Genetics/Laboratory Corporation of America, LabCorp
Classification: Pathogenic for Polycystic kidney disease, adult type. Last evaluated: 2026-05-15. Review status: criteria provided, single submitter. Criteria: LabCorp Variant Classification Summary - May 2015. Collection method: clinical testing. Allele origin: germline.
Comment: Variant summary: PKD1 c.916delG (p.Asp306ThrfsX28) results in a premature termination codon, predicted to cause a truncation of the encoded protein or absence of the protein due to nonsense mediated decay, which are commonly known mechanisms for disease. The variant was absent in 219246 control chromosomes. To our knowledge, no occurrence of c.916delG in individuals affected with PKD1-related conditions and no experimental evidence demonstrating its impact on protein function have been reported. No submitters have cited clinical-significance assessments for this variant to ClinVar. Based on the evidence outlined above, the variant was classified as pathogenic.